The following is an entry in ClinVar:

NM_172107.4(KCNQ2):c.1342C>T (p.Arg448Ter)

Gene: KCNQ2 (potassium voltage-gated channel subfamily Q member 2; minus strand). Cytogenetic location: 20q13.33.
Variant type: single nucleotide variant.
Coding change: c.1342C>T on transcript NM_172107.4 (MANE Select); coding-DNA position 1342, C replaced by T.
Protein change: p.Arg448Ter; replaces arginine 448 with a stop codon.
Molecular consequence: nonsense.
Genome position (GRCh38, 1-based): chr20:63,415,086, G>A on the plus strand (C>T on the coding strand, the complement: KCNQ2 is on the minus strand). VCF-style: chr20-63415086-G-A. GRCh37 (hg19) VCF-style: chr20-62046439-G-A.
Other names: p.R448*:CGA>TGA; NP_742105.1:p.(Arg448Ter); c.1288C>T (NM_001382235.1); c.1342C>T (NM_172107.3); c.1258C>T, p.Arg420Ter (NM_004518.6); c.1288C>T, p.Arg430Ter (NM_172106.3); c.1252C>T, p.Arg418Ter (NM_172108.5); short protein forms R448*, R420*, R430*, R418*.
Identifiers: ClinVar variation 21762 (VCV000021762.30), dbSNP rs118192226, ClinGen allele CA315443.
Genomic context (GRCh38, chr20:63,415,086, plus strand): 5'-TGGGTGACCGCCTCACAGTCTGGGCCTGCGGGGACCCCTTCCCCTTGGCAGCCACGCCTC[G>A]GGGGCTGGAGAAGACACGATCTTTCAAACTGACCTTCTGGCTGCTCCCACGGGAACCGAC-3'

ClinVar aggregate classification (germline): Pathogenic. Review status: criteria provided, multiple submitters, no conflicts (2 of 4 stars). 13 submissions from 12 submitters: Pathogenic (12). 1 of the submissions does not count toward it. Last evaluated 2026-01-31.

Conditions:
Epilepsy of infancy with migrating focal seizures. Identifiers: MedGen C4518639, MONDO:0100025.
Early-infantile DEE. Also called: Early infantile epileptic encephalopathy with suppression bursts; Ohtahara syndrome; Early infantile epileptic encephalopathy. Identifiers: Orphanet 1934, MedGen C0393706, MONDO:0800491.
Inborn genetic diseases. Identifiers: MedGen C0950123, MeSH D030342.
Developmental and epileptic encephalopathy, 7 (DEE7). Also called: KCNQ2-Related Neonatal Epileptic Encephalopathy; Early infantile epileptic encephalopathy 7; KCNQ2-Related Neonatal-Onset Developmental and Epileptic Encephalopathy (NEO-DEE). Identifiers: Orphanet 439218, MedGen C3150986, MONDO:0013387, OMIM 613720.
Epilepsy. Also called: Seizure disorder. Identifiers: MedGen C0014544, MeSH D004827, MONDO:0005027.
Seizures, benign familial neonatal, 1. Also called: KCNQ2-Related Benign Familial Neonatal Epilepsy; Benign Neonatal Epilepsy 1; KCNQ2-Related Self-Limited Familial Neonatal Epilepsy (SLFNE); Seizures, benign neonatal, 1. Identifiers: Orphanet 1949, MedGen C3149074, MONDO:0007365, OMIM 121200.
Seizure. Also called: Seizures. Identifiers: MedGen C0036572, HP:0001250.

Submissions (13):

Labcorp Genetics (formerly Invitae), Labcorp
Classification: Pathogenic for Early-infantile DEE. Last evaluated: 2026-01-31. Review status: criteria provided, single submitter. Criteria: Invitae Variant Classification Sherloc (09022015). Collection method: clinical testing. Allele origin: germline.
Comment: This sequence change creates a premature translational stop signal (p.Arg448*) in the KCNQ2 gene. It is expected to result in an absent or disrupted protein product. Loss-of-function variants in KCNQ2 are known to be pathogenic (PMID: 14534157, 23692823, 27779742). This variant is not present in population databases (gnomAD no frequency). This premature translational stop signal has been observed in individual(s) with benign familial neonatal-infantile seizures (PMID: 3360469, 20119593, 25982755). It has also been observed to segregate with disease in related individuals. ClinVar contains an entry for this variant (Variation ID: 21762). For these reasons, this variant has been classified as Pathogenic.

Cytogénomique, Hospices Civils de Lyon
Classification: Pathogenic for Epilepsy. Last evaluated: 2025-12-22. Review status: criteria provided, single submitter. Criteria: ACMG Guidelines, 2015. Collection method: clinical testing. Allele origin: germline. Affected: yes.

Variantyx, Inc.
Classification: Pathogenic for Developmental and epileptic encephalopathy, 7. Last evaluated: 2025-06-03. Review status: criteria provided, single submitter. Criteria: Variantyx Assertion Criteria 2022. Collection method: clinical testing. Allele origin: germline. Inheritance: Autosomal dominant inheritance. Affected: yes.
Comment: This is a nonsense variant in the KCNQ2 gene (OMIM: 602235). Pathogenic variants in this gene have been associated with autosomal dominant developmental and epileptic encephalopathy 7. This variant introduces a premature termination codon in exon 13 out of 17 and is expected to result in loss of function, which is a known disease mechanism for KCNQ2 in this disorder (PMID: 14534157, 17675531, 23692823, 27779742) (PVS1). It has been reported in at least 3 unrelated affected individuals (PMID: 23360469, 25982755) (PS4_Moderate) and observed to segregate with disease in at least 3 individuals from one family (PMID: 20119593) (PP1). This variant is absent from control populations (PM2). Based on the current evidence, this variant is classified as pathogenic for autosomal dominant developmental and epileptic encephalopathy 7.

Victorian Clinical Genetics Services, Murdoch Childrens Research Institute
Classification: Pathogenic for Seizures, benign familial neonatal, 1. Last evaluated: 2024-10-09. Review status: criteria provided, single submitter. Criteria: ACMG Guidelines, 2015. Collection method: clinical testing. Allele origin: germline. Inheritance: Autosomal dominant inheritance. Affected: yes.
Comment: Based on the classification scheme VCGS_Germline_v1.3.4, this variant is classified as Pathogenic. Following criteria are met: 0103 - Dominant negative and loss of function are known mechanisms of disease in this gene and are associated with developmental and epileptic encephalopathy 7 (DEE; MIM#613720) and benign neonatal seizures 1 (BFNS1; MIM#121200), respectively (PMID: 20437616). There is currently no phenotypic correlation in terms of variant types or location (PMID: 31418850). (I) 0107 - This gene is associated with autosomal dominant disease. (I) 0112 - The condition associated with this gene has incomplete penetrance; however, this is only reported for individuals with BFNS1 (PMID: 25959266). (I) 0201 - Variant is predicted to cause nonsense-mediated decay (NMD) and loss of protein (premature termination codon is located at least 54 nucleotides upstream of the final exon-exon junction). (SP) 0251 - This variant is heterozygous. (I) 0301 - Variant is absent from gnomAD (both v2 and v3). (SP) 0701 - Other NMD-predicted variants comparable to the one identified in this case have very strong previous evidence for pathogenicity (DECIPHER). (SP) 0801 - This variant has strong previous evidence of pathogenicity in unrelated individuals. This variant has been classified as pathogenic by multiple clinical laboratories in ClinVar and has been observed in families with benign familial neonatal seizures (PMIDs: 20119593, 25982755). (SP) Legend: (SP) - Supporting pathogenic, (I) - Information, (SB) - Supporting benign

3billion
Classification: Pathogenic for Developmental and epileptic encephalopathy, 7. Last evaluated: 2024-06-21. Review status: criteria provided, single submitter. Criteria: ACMG Guidelines, 2015. Collection method: clinical testing. Allele origin: germline. Affected: yes.
Comment: The variant is not observed in the gnomAD v4.0.0 dataset. Predicted Consequence/Location: Stop-gained (nonsense): predicted to result in a loss or disruption of normal protein function through nonsense-mediated decay (NMD) or protein truncation. Multiple pathogenic variants are reported downstream of the variant. The variant has been reported at least twice as pathogenic with clinical assertions and evidence for the classification (ClinVar ID: VCV000021762 /PMID: 11690625 /3billion dataset). Therefore, this variant is classified as Pathogenic according to the recommendation of ACMG/AMP guideline.

GeneDx
Classification: Pathogenic. Last evaluated: 2021-11-30. Review status: criteria provided, single submitter. Criteria: GeneDx Variant Classification Process June 2021. Collection method: clinical testing. Allele origin: germline. Affected: yes.
Comment: Nonsense variant predicted to result in protein truncation or nonsense mediated decay in a gene for which loss-of-function is a known mechanism of disease; Not observed in large population cohorts (Lek et al., 2016); This variant is associated with the following publications: (PMID: 11690625, 25525159, 16686649, 18698150, 14534157, 23360469, 28488083, 32712949, 32770121, 20119593, 30202406)

Unidad de Genómica Garrahan, Hospital de Pediatría Garrahan
Classification: Pathogenic for Epilepsy of infancy with migrating focal seizures. Last evaluated: 2021-01-01. Review status: criteria provided, single submitter. Criteria: ACMG Guidelines, 2015. Collection method: clinical testing. Allele origin: de novo. Affected: yes. Observed: 1 variant allele.
Comment: ACMG/AMP criteria applied: PVS1, PM2, PM6.

Cytogénomique, Hospices Civils de Lyon
Classification: Pathogenic for Seizure. Last evaluated: 2020-05-25. Review status: criteria provided, single submitter. Criteria: ACMG Guidelines, 2015. Collection method: clinical testing. Allele origin: de novo. Inheritance: Sporadic. Affected: yes. Observed: 1 variant allele, 1 heterozygote.
Comment: Truncating variant absent from gnomAD and recurrent in the litterature.

Ambry Genetics
Classification: Pathogenic for Inborn genetic diseases. Last evaluated: 2018-11-23. Review status: criteria provided, single submitter. Criteria: Ambry Variant Classification Scheme 2023. Collection method: clinical testing. Allele origin: germline.
Comment: The p.R448* pathogenic mutation (also known as c.1342C>T), located in coding exon 13 of the KCNQ2 gene, results from a C to T substitution at nucleotide position 1342. This changes the amino acid from an arginine to a stop codon within coding exon 13. This mutation has been reported in multiple families with neonatal and infantile seizures (Singh NA et al. Brain, 2003 Dec;126:2726-37; Yum MS et al. J. Korean Med. Sci., 2010 Feb;25:324-6; Zara F et al. Epilepsia, 2013 Mar;54:425-36; Grinton BE et al. Epilepsia, 2015 Jul;56:1071-80). In addition to the clinical data presented in the literature, this alteration is expected to result in loss of function by premature protein truncation or nonsense-mediated mRNA decay. As such, this alteration is interpreted as a disease-causing mutation.

Eurofins Ntd Llc (ga)
Classification: Pathogenic. Last evaluated: 2016-05-24. Review status: criteria provided, single submitter. Criteria: EGL Classification Definitions 2015. Collection method: clinical testing. Allele origin: germline. Observed: 1 variant allele, 1 heterozygote.

Clinical Genetics Service, Universitary Hospital 12 de Octubre
Classification: Pathogenic for Seizures, benign familial neonatal, 1. Review status: criteria provided, single submitter. Criteria: ACMG Guidelines, 2015. Collection method: clinical testing. Allele origin: maternal. Affected: yes.

Lifecell International Pvt. Ltd
Classification: Pathogenic for Developmental and epileptic encephalopathy, 7. Review status: criteria provided, single submitter. Criteria: ACMG Guidelines, 2015. Collection method: clinical testing. Allele origin: germline. Inheritance: Autosomal dominant inheritance. Affected: yes. Observed: 1 heterozygote.
Comment: A Heterozygous Nonsense variant c.1258C>T in Exon 11 of the KCNQ2 gene that results in the amino acid substitution p.Arg420* was identified. The observed variant has a maximum allele frequency of 0.00% in gnomAD exomes and genomes, respectively. The severity of the impact of this variant on the protein is high, based on the effect of the protein and REVEL score. Rare Exome Variant Ensemble Learner (REVEL) is an ensembl method for predicting the pathogenicity of missense variants based on a combination of scores from 13 individual tools: MutPred, FATHMM v2.3, VEST 3.0, PolyPhen-2, SIFT, PROVEAN, MutationAssessor, MutationTaster, LRT, GERP++, SiPhy, phyloP, and phastCons. The REVEL score for an individual missense variant can range from 0 to 1, with higher scores reflecting greater likelihood that the variant is disease-causing. ClinVar has also classified this variant as Pathogenic (Variation ID: 21762). The variant has been previously reported by Grinton BE et al, 2015. Based on the above evidence this variant has been classified as Pathogenic according to the ACMG guidelines.

GeneReviews
No classification provided. Condition: Seizures, benign familial neonatal, 1. Review status: no classification provided. Collection method: literature only. Allele origin: germline. Affected: yes. Not counted in ClinVar's aggregate classification.
Comment: BFNIS (benign familial neonatal-infantile seizures)

Functional effect: 30% reduction in maximal current amplitude in heteromeric channels

Literature cited by the submitters: PubMed 14534157 (cited by 4 submitters); PubMed 23692823 (cited by Labcorp Genetics (formerly Invitae), Labcorp and Variantyx, Inc.); PubMed 27779742 (cited by Labcorp Genetics (formerly Invitae), Labcorp and Variantyx, Inc.); PubMed 3360469 (cited by Labcorp Genetics (formerly Invitae), Labcorp); PubMed 20119593 (cited by 5 submitters); PubMed 25982755 (cited by 5 submitters); PubMed 17675531 (cited by Variantyx, Inc.); PubMed 23360469 (cited by 3 submitters); PubMed 20437616 (cited by Victorian Clinical Genetics Services, Murdoch Childrens Research Institute); PubMed 25959266 (cited by Victorian Clinical Genetics Services, Murdoch Childrens Research Institute); PubMed 31418850 (cited by Victorian Clinical Genetics Services, Murdoch Childrens Research Institute); PubMed 11690625 (cited by 3billion and GeneReviews); PubMed 14985406 (cited by GeneReviews); NCBI Bookshelf NBK32534 (cited by GeneReviews).